The following is an entry in ClinVar:

NM_015346.4(ZFYVE26):c.748G>A (p.Glu250Lys)

Gene: ZFYVE26 (zinc finger FYVE-type containing 26; minus strand). Cytogenetic location: 14q24.1.
Variant type: single nucleotide variant.
Coding change: c.748G>A on transcript NM_015346.4 (MANE Select); coding-DNA position 748, G replaced by A.
Protein change: p.Glu250Lys; replaces glutamic acid 250 with lysine.
Molecular consequence: missense variant.
Genome position (GRCh38, 1-based): chr14:67,807,536, C>T on the plus strand (G>A on the coding strand, the complement: ZFYVE26 is on the minus strand). VCF-style: chr14-67807536-C-T. GRCh37 (hg19) VCF-style: chr14-68274253-C-T.
Other names: short protein forms E250K.
Identifiers: ClinVar variation 696056 (VCV000696056.45), dbSNP rs200340910, ClinGen allele CA7240712.

ClinVar aggregate classification (germline): Benign/Likely benign. Review status: criteria provided, multiple submitters, no conflicts (2 of 4 stars). 8 submissions from 8 submitters: Benign (4); Likely benign (2). 2 of the submissions do not count toward it. Last evaluated 2026-07-01.

Conditions:
Spastic paraplegia. Identifiers: MedGen C0037772, HP:0001258.
Hereditary spastic paraplegia 15 (SPG15). Also called: KJELLIN SYNDROME; SPASTIC PARAPLEGIA AND RETINAL DEGENERATION; SPASTIC PARAPLEGIA 15, AUTOSOMAL RECESSIVE. Identifiers: Orphanet 100996, MedGen C1849128, MONDO:0010044, OMIM 270700.
Hereditary spastic paraplegia. Also called: Familial spastic paraparesis. Identifiers: Orphanet 685, MedGen C0037773, MONDO:0019064. Disease mechanism: loss of function.

Allele frequency attached by ClinVar (database versions not stated): ESP Exome Variant Server 0.00015; gnomAD 0.00019 and 0.00067; TOPMed 0.00029; gnomAD exomes 0.00195; ExAC 0.00232; 1000 Genomes Project 30x 0.00312; 1000 Genomes Project 0.00319.

Submissions (8):

CeGaT Center for Human Genetics Tuebingen
Classification: Benign. Last evaluated: 2026-07-01. Review status: criteria provided, single submitter. Criteria: CeGaT Center For Human Genetics Tuebingen Variant Classification Criteria Version 2. Collection method: clinical testing. Allele origin: germline. Affected: yes. Observed: 7 variant alleles.
Comment: ZFYVE26: BS1, BS2

Labcorp Genetics (formerly Invitae), Labcorp
Classification: Benign for Spastic paraplegia. Last evaluated: 2026-01-28. Review status: criteria provided, single submitter. Criteria: Invitae Variant Classification Sherloc (09022015). Collection method: clinical testing. Allele origin: germline.

Athena Diagnostics
Classification: Benign. Last evaluated: 2024-08-26. Review status: criteria provided, single submitter. Criteria: Athena Diagnostics Criteria. Collection method: clinical testing. Allele origin: unknown.

Genome-Nilou Lab
Classification: Benign for Hereditary spastic paraplegia 15. Last evaluated: 2021-12-05. Review status: criteria provided, single submitter. Criteria: ACMG Guidelines, 2015. Collection method: clinical testing. Allele origin: germline. Affected: no.

Genome Diagnostics Laboratory, The Hospital for Sick Children
Classification: Likely benign for Hereditary spastic paraplegia. Last evaluated: 2021-06-13. Review status: criteria provided, single submitter. Criteria: ACMG Guidelines, 2015. Collection method: clinical testing. Allele origin: germline. Affected: yes.

Illumina Laboratory Services, Illumina
Classification: Likely benign for Hereditary spastic paraplegia 15. Last evaluated: 2017-08-18. Review status: criteria provided, single submitter. Criteria: ICSL Variant Classification Criteria 13 December 2019. Collection method: clinical testing. Allele origin: germline.
Comment: This variant was observed as part of a predisposition screen in an ostensibly healthy population. A literature search was performed for the gene, cDNA change, and amino acid change (where applicable). No publications were found based on this search. Allele frequency data from public databases allowed determination this variant is unlikely to cause disease. Therefore, this variant is classified as likely benign.

Clinical Genetics DNA and cytogenetics Diagnostics Lab, Erasmus MC, Erasmus Medical Center
Classification: Benign. Review status: no assertion criteria provided. Collection method: clinical testing. Allele origin: germline. Affected: yes. Study: VKGL Data-share Consensus. Not counted in ClinVar's aggregate classification.

Laboratory of Diagnostic Genome Analysis, Leiden University Medical Center (LUMC)
Classification: Likely benign. Review status: no assertion criteria provided. Collection method: clinical testing. Allele origin: germline. Affected: yes. Study: VKGL Data-share Consensus. Not counted in ClinVar's aggregate classification.

Literature cited by the submitters: PubMed 27679996 (cited by Athena Diagnostics).